The following is an entry in ClinVar:

NM_001371727.1(GABRB2):c.816T>A (p.Ala272=)

Gene: GABRB2 (gamma-aminobutyric acid type A receptor subunit beta2; minus strand). Cytogenetic location: 5q34.
Variant type: single nucleotide variant.
Coding change: c.816T>A on transcript NM_001371727.1 (MANE Select); coding-DNA position 816, T replaced by A.
Protein change: p.Ala272=; no amino-acid change (alanine 272 retained).
Molecular consequence: synonymous variant.
Genome position (GRCh38, 1-based): chr5:161,334,768, A>T on the plus strand (T>A on the coding strand, the complement: GABRB2 is on the minus strand). VCF-style: chr5-161334768-A-T. GRCh37 (hg19) VCF-style: chr5-160761775-A-T.
Other names: c.816T>A, p.Ala272= (NM_000813.3, NM_021911.3).
Identifiers: ClinVar variation 388441 (VCV000388441.1), dbSNP rs766814600, ClinGen allele CA3543475.
Genomic context (GRCh38, chr5:161,334,768, plus strand): 5'-TACACACAGAGTCAAAATCCACAAGCAGTAATAAAATGGCCTACCTAATGCCACCCTTGC[A>T]GCTGAAGCATCGTAATTAATCCAGAAGGAGACCCAGGAGAGGATGGTAATCAGGATGGAA-3'
Protein context (NP_001358656.1, residues 262-282): VSFWINYDAS[Ala272=]ARVALGITTV

ClinVar aggregate classification (germline): Likely benign (1 of 4 stars; one submission).

Allele frequency attached by ClinVar (database versions not stated): gnomAD exomes below 0.00001 and 0.00001; ExAC 0.00001.
gnomAD v4.1: 4 of 1,613,990 alleles (0.00025%); highest among the groups gnomAD compares: South Asian, 0.0044%; no homozygotes.

Submission:

GeneDx
Classification: Likely benign. Last evaluated: 2016-08-15. Review status: criteria provided, single submitter. Criteria: GeneDx Variant Classification (06012015). Collection method: clinical testing. Allele origin: germline. Affected: yes.
Comment: This variant is considered likely benign or benign based on one or more of the following criteria: it is a conservative change, it occurs at a poorly conserved position in the protein, it is predicted to be benign by multiple in silico algorithms, and/or has population frequency not consistent with disease.